The following is an entry in ClinVar:

ClinVar aggregate classification (germline): Likely pathogenic (1 of 4 stars; one submission).

Conditions:
Microcephaly, normal intelligence and immunodeficiency (NBS). Also called: Nijmegen breakage syndrome; Microcephaly with normal intelligence immunodeficiency and lymphoreticular malignancies; Nonsyndromal microcephaly autosomal recessive with normal intelligence; Seemanova syndrome 2; BERLIN BREAKAGE SYNDROME; Ataxia telangiectasia variant V1. Identifiers: Orphanet 647, MedGen C0398791, MONDO:0009623, OMIM 251260.

Submission:

Natera, Inc.
Classification: Likely pathogenic for Nijmegen breakage syndrome. Last evaluated: 2025-12-02. Review status: criteria provided, single submitter. Criteria: Natera Variant Classification Schema (03/2026). Collection method: clinical testing. Allele origin: germline.
Comment: The c.1423del variant in NBN is a frameshift variant predicted to shift the reading frame beginning at codon 475 and leads to a stop codon 9 codons downstream. This variant is expected to result in nonsense mediated decay, truncation, or a dysfunctional protein product. This variant is rare in the general population with a frequency below the threshold expected for the associated phenotype(s). Given the available evidence, this variant is classified as Likely Pathogenic.

NM_002485.5(NBN):c.1423del (p.Met475fs)

Gene: NBN (nibrin; minus strand). Cytogenetic location: 8q21.3.
Variant type: Deletion.
Coding change: c.1423del on transcript NM_002485.5 (MANE Select); coding-DNA position 1423, one base deleted (A; older notation c.1423delA).
Protein change: p.Met475fs; shifts the reading frame from methionine 475.
Molecular consequence: frameshift variant.
Genome position (GRCh38, 1-based): chr8:89,953,666, T deleted on the plus strand (A on the coding strand, the reverse complement: NBN is on the minus strand); the first of 3 consecutive T bases (chr8:89,953,666-89,953,668); deleting any one gives the same sequence. VCF-style (leftmost placement, unchanged base first): chr8-89953665-AT-A. GRCh37 (hg19) VCF-style: chr8-90965893-AT-A.
Other names: c.1177del, p.Met393fs (NM_001024688.3, NM_001440379.1, NM_001440380.1); c.1421delA, p.Met475Cysfs (NM_002485.4); short protein forms M393fs, M475fs.
Identifiers: ClinVar variation 4815066 (VCV004815066.1).